The following is an entry in ClinVar:

NM_001130969.3(NSMF):c.690C>A (p.Thr230=)

Gene: NSMF (NMDA receptor synaptonuclear signaling and neuronal migration factor; minus strand). Cytogenetic location: 9q34.3.
Variant type: single nucleotide variant.
Coding change: c.690C>A on transcript NM_001130969.3 (MANE Select); coding-DNA position 690, C replaced by A.
Protein change: p.Thr230=; no amino-acid change (threonine 230 retained).
Molecular consequence: synonymous variant.
Genome position (GRCh38, 1-based): chr9:137,456,425, G>T on the plus strand (C>A on the coding strand, the complement: NSMF is on the minus strand). VCF-style: chr9-137456425-G-T. GRCh37 (hg19) VCF-style: chr9-140350877-G-T.
Other names: c.690C>A, p.Thr230= (NM_001130970.2, NM_001130971.2, NM_001178064.2 and 2 more transcripts).
Identifiers: ClinVar variation 3028975 (VCV003028975.2), dbSNP rs750220978, ClinGen allele CA467869470.

ClinVar aggregate classification (germline): Likely benign (0 of 4 stars; one submission).

Conditions:
NSMF-related disorder. Also called: NSMF-related condition.

Submission:

PreventionGenetics, part of Exact Sciences
Classification: Likely benign for NSMF-related condition. Last evaluated: 2022-01-07. Review status: no assertion criteria provided. Collection method: clinical testing. Allele origin: germline.
Comment: This variant is classified as likely benign based on ACMG/AMP sequence variant interpretation guidelines (Richards et al. 2015 PMID: 25741868, with internal and published modifications).